The following is an entry in ClinVar:

ClinVar aggregate classification (germline): Benign/Likely benign. Review status: criteria provided, multiple submitters, no conflicts (2 of 4 stars). 4 submissions from 4 submitters: Benign (1); Likely benign (3). Last evaluated 2026-01-27.

Conditions:
Fanconi anemia complementation group D2. Also called: FANCD2-Related Fanconi Anemia; FANCONI PANCYTOPENIA, TYPE 4; FANCONI ANEMIA, COMPLEMENTATION GROUP D. Identifiers: Orphanet 84, MedGen C3160738, MONDO:0009214, OMIM 227646.
Hereditary breast ovarian cancer syndrome. Also called: Hereditary breast and ovarian cancer; Breast and ovarian cancer; Hereditary breast and/or ovarian cancer syndrome; Hereditary breast and ovarian cancer syndrome; Hereditary breast and ovarian cancer syndrome (HBOC); BRCA1- and BRCA2-Associated Hereditary Breast and Ovarian Cancer. Identifiers: Orphanet 145, MedGen C0677776, MeSH D061325, MONDO:0003582. Disease mechanism: loss of function.
Fanconi anemia (FA). Also called: Fanconi's anemia. Identifiers: Orphanet 84, MedGen C0015625, MeSH D005199, MONDO:0019391.

Allele frequency attached by ClinVar (database versions not stated): gnomAD 0.00047 and 0.00064; TOPMed 0.00103; 1000 Genomes Project 0.00160; gnomAD exomes 0.00031 and 0.00071; ExAC 0.00079; 1000 Genomes Project 30x 0.00156.
gnomAD v4.1: 565 of 1,613,398 alleles (0.035%); highest among the groups gnomAD compares: South Asian, 0.47%; 8 homozygotes.

Submissions (4):

Labcorp Genetics (formerly Invitae), Labcorp
Classification: Benign for Fanconi anemia. Last evaluated: 2026-01-27. Review status: criteria provided, single submitter. Criteria: Invitae Variant Classification Sherloc (09022015). Collection method: clinical testing. Allele origin: germline.

National Health Laboratory Service, Universitas Academic Hospital and University of the Free State
Classification: Likely benign for Hereditary breast ovarian cancer syndrome. Last evaluated: 2022-04-19. Review status: criteria provided, single submitter. Criteria: ACMG Guidelines, 2015. Collection method: clinical testing. Allele origin: germline. Affected: yes. Observed: 2 variant alleles.

Fulgent Genetics
Classification: Likely benign for Fanconi anemia complementation group D2. Last evaluated: 2021-12-09. Review status: criteria provided, single submitter. Criteria: ACMG Guidelines, 2015. Collection method: clinical testing. Allele origin: unknown.

Illumina Laboratory Services, Illumina
Classification: Likely benign for Fanconi anemia complementation group D2. Last evaluated: 2018-01-12. Review status: criteria provided, single submitter. Criteria: ICSL Variant Classification Criteria 13 December 2019. Collection method: clinical testing. Allele origin: germline.
Comment: This variant was observed in the ICSL laboratory as part of a predisposition screen in an ostensibly healthy population. It had not been previously curated by ICSL or reported in the Human Gene Mutation Database (HGMD: prior to June 1st, 2018), and was therefore a candidate for classification through an automated scoring system. Utilizing variant allele frequency, disease prevalence and penetrance estimates, and inheritance mode, an automated score was calculated to assess if this variant is too frequent to cause the disease. Based on the score and internal cut-off values, a variant classified as likely benign is not then subjected to further curation. The score for this variant resulted in a classification of likely benign for this disease.

NM_001018115.3(FANCD2):c.4038+8G>A

Genes: FANCD2OS (FANCD2 opposite strand; minus strand), FANCD2 (FA complementation group D2; plus strand). Cytogenetic location: 3p25.3.
Variant type: single nucleotide variant.
Coding change: c.4038+8G>A on transcript NM_001018115.3 (MANE Select); 8 bases into the intron after coding-DNA position 4038, G replaced by A.
Molecular consequence: intron variant.
Genome position (GRCh38, 1-based): chr3:10,095,282, G>A. VCF-style: chr3-10095282-G-A. GRCh37 (hg19) VCF-style: chr3-10136966-G-A.
Other names: c.4038+8G>A (NM_001319984.2, NM_033084.6, NM_001018115.2); c.3927+8G>A (NM_001374253.1); c.3999+8G>A (NM_001374254.1); c.*43+8916C>T (NM_173472.2).
Identifiers: ClinVar variation 414649 (VCV000414649.54), dbSNP rs190990145, ClinGen allele CA2250603.